The following is an entry in ClinVar:

ClinVar aggregate classification (germline): Uncertain significance (1 of 4 stars; one submission).

Submission:

Labcorp Genetics (formerly Invitae), Labcorp
Classification: Uncertain significance. Last evaluated: 2023-06-22. Review status: criteria provided, single submitter. Criteria: Invitae Variant Classification Sherloc (09022015). Collection method: clinical testing. Allele origin: germline.
Comment: In summary, the available evidence is currently insufficient to determine the role of this variant in disease. Therefore, it has been classified as a Variant of Uncertain Significance. Experimental studies and prediction algorithms are not available or were not evaluated, and the effect of this variant on mRNA splicing is currently unknown. This sequence change falls in intron 2 of the C3 gene. It does not directly change the encoded amino acid sequence of the C3 protein. Information on the frequency of this variant in the gnomAD database is not available, as this variant may be reported differently in the database. This variant has not been reported in the literature in individuals affected with C3-related conditions. ClinVar contains an entry for this variant (Variation ID: 2106908).

NM_000064.4(C3):c.268-5_268-4delinsAA

Gene: C3 (complement C3; minus strand). Cytogenetic location: 19p13.3.
Variant type: Indel.
Coding change: c.268-5_268-4delinsAA on transcript NM_000064.4 (MANE Select); 5 bases into the intron before coding-DNA position 268 through 4 bases into the intron before coding-DNA position 268, CC replaced by AA.
Molecular consequence: intron variant.
Genome position (GRCh38, 1-based): chr19:6,718,416-6,718,417, GG replaced by TT on the plus strand (CC replaced by AA on the coding strand, the reverse complement: C3 is on the minus strand). VCF-style: chr19-6718416-GG-TT. GRCh37 (hg19) VCF-style: chr19-6718427-GG-TT.
Identifiers: ClinVar variation 2106908 (VCV002106908.4), dbSNP rs2512271158, ClinGen allele CA2580097051.
Genomic context (GRCh38, chr19:6,718,416, plus strand): 5'-CACGGTCACGAACTTGTTGCGCCCCTTTTCTGACTTGAACTCCCTGTTGGCTGGGATCTA[GG>TT]CGTGGGCAGGGCATTGTCAGGGGTCTGTTCCAAGGCCCCATGCCCACGGTCCAGCTTCCG-3'